The following is an entry in ClinVar:

NM_001040142.2(SCN2A):c.-51-1737_-51-1735del

Genes: SCN2A (sodium voltage-gated channel alpha subunit 2; plus strand), LOC120977013 (Sharpr-MPRA regulatory region 13511; plus strand). Cytogenetic location: 2q24.3.
Variant type: Deletion.
Coding change: c.-51-1737_-51-1735del on transcript NM_001040142.2 (MANE Select); 1737 bases into the intron before 51 bases upstream of the start codon through 1735 bases into the intron before 51 bases upstream of the start codon, 3 bases deleted (AAA; older notation c.-51-1737_-51-1735delAAA).
Molecular consequence: intron variant.
Genome position (GRCh38, 1-based): chr2:165,294,036-165,294,038, AAA deleted; deleting any 3 consecutive bases within chr2:165,294,011-165,294,038 gives the same sequence; the c. name uses the placement nearest the transcript's 3' end. VCF-style (leftmost placement, unchanged base first): chr2-165294010-TAAA-T. GRCh37 (hg19) VCF-style: chr2-166150520-TAAA-T.
Other names: c.-51-1737_-51-1735del (NM_001040143.2, NM_001371246.1, NM_001371247.1).
Identifiers: ClinVar variation 1703351 (VCV001703351.3), dbSNP rs67417831, ClinGen allele CA537114160.

ClinVar aggregate classification (germline): Likely benign. Review status: criteria provided, multiple submitters, no conflicts (2 of 4 stars). 2 submissions from 2 submitters: Likely benign (2). Last evaluated 2022-02-24.

Submissions (2):

GeneDx
Classification: Likely benign. Last evaluated: 2022-02-24. Review status: criteria provided, single submitter. Criteria: GeneDx Variant Classification Process June 2021. Collection method: clinical testing. Allele origin: germline. Affected: yes.
Comment: See Variant Classification Assertion Criteria.

Blueprint Genetics
Classification: Likely benign. Last evaluated: 2018-05-30. Review status: criteria provided, single submitter. Criteria: ACMG Guidelines, 2015. Collection method: clinical testing. Allele origin: germline.